The following is an entry in ClinVar:

ClinVar aggregate classification (germline): Likely benign (0 of 4 stars; one submission).

Conditions:
LAMA5-related disorder. Also called: LAMA5-Related Disorders; LAMA5-related condition.

Allele frequency attached by ClinVar (database versions not stated): ExAC 0.00003; gnomAD 0.00004; gnomAD exomes 0.00004; TOPMed 0.00006; ESP Exome Variant Server 0.00008.
gnomAD v4.1: 63 of 1,610,994 alleles (0.0039%); highest among the groups gnomAD compares: African/African-American, 0.012%; no homozygotes.

Submission:

PreventionGenetics, part of Exact Sciences
Classification: Likely benign for LAMA5-related condition. Last evaluated: 2021-01-04. Review status: no assertion criteria provided. Collection method: clinical testing. Allele origin: germline.
Comment: This variant is classified as likely benign based on ACMG/AMP sequence variant interpretation guidelines (Richards et al. 2015 PMID: 25741868, with internal and published modifications).

NM_005560.6(LAMA5):c.9438C>T (p.Asn3146=)

Gene: LAMA5 (laminin subunit alpha 5; minus strand). Cytogenetic location: 20q13.33.
Variant type: single nucleotide variant.
Coding change: c.9438C>T on transcript NM_005560.6 (MANE Select); coding-DNA position 9438, C replaced by T.
Protein change: p.Asn3146=; no amino-acid change (asparagine 3146 retained).
Molecular consequence: synonymous variant.
Genome position (GRCh38, 1-based): chr20:62,312,239, G>A on the plus strand (C>T on the coding strand, the complement: LAMA5 is on the minus strand). VCF-style: chr20-62312239-G-A. GRCh37 (hg19) VCF-style: chr20-60887295-G-A.
Identifiers: ClinVar variation 3031435 (VCV003031435.2), dbSNP rs372810461, ClinGen allele CA9940241.